The following is an entry in ClinVar:

NM_033028.5(BBS4):c.912del (p.Asp303_Trp304insTer)

Gene: BBS4 (Bardet-Biedl syndrome 4; plus strand). Cytogenetic location: 15q24.1.
Variant type: Deletion.
Coding change: c.912del on transcript NM_033028.5 (MANE Select); coding-DNA position 912, one base deleted (G; older notation c.912delG).
Protein change: p.Asp303_Trp304insTer.
Molecular consequence: nonsense. On other transcripts: non-coding transcript variant (2).
Genome position (GRCh38, 1-based): chr15:72,731,602, G deleted; the last of 2 consecutive G bases (chr15:72,731,601-72,731,602); deleting either gives the same sequence. VCF-style (leftmost placement, unchanged base first): chr15-72731600-TG-T. GRCh37 (hg19) VCF-style: chr15-73023941-TG-T.
Other names: c.396del, p.Asp131_Trp132insTer (NM_001252678.2); c.843del, p.Asp280_Trp281insTer (NM_001320665.2).
Identifiers: ClinVar variation 4713531 (VCV004713531.1).
Genomic context (GRCh38, chr15:72,731,600, plus strand): 5'-CCTTCTCTCTCATAGGCCATCAGCTGCCTGAAACGAGCCAACTACTTGGCACCCTTTGAT[TG>T]GAAGATTCTGTATAATTTGGGCCTTGTCCATTTGACCATGCAGCAGTATGCATCAGCTTT-3'

ClinVar aggregate classification (germline): Pathogenic (1 of 4 stars; one submission).

Conditions:
Bardet-Biedl syndrome (BBS). Identifiers: Orphanet 110, MedGen C0752166, MONDO:0015229.

Submission:

Labcorp Genetics (formerly Invitae), Labcorp
Classification: Pathogenic for Bardet-Biedl syndrome. Last evaluated: 2025-09-02. Review status: criteria provided, single submitter. Criteria: Invitae Variant Classification Sherloc (09022015). Collection method: clinical testing. Allele origin: germline.
Comment: This sequence change creates a premature translational stop signal (p.Trp304*) in the BBS4 gene. It is expected to result in an absent or disrupted protein product. Loss-of-function variants in BBS4 are known to be pathogenic (PMID: 11381270, 12016587, 20177705, 26355662, 27894351). This variant is not present in population databases (gnomAD no frequency). This variant has not been reported in the literature in individuals affected with BBS4-related conditions. For these reasons, this variant has been classified as Pathogenic.

Literature cited by the submitters: PubMed 11381270; PubMed 12016587; PubMed 20177705; PubMed 26355662; PubMed 27894351.